The following continues an entry in ClinVar:

NM_007294.4(BRCA1):c.594-2A>C

Gene: BRCA1. ClinVar aggregate classification (germline): Benign. Benign (1).

Submissions 8 to 19 of 20:

Sema4
Classification: Uncertain significance for Hereditary cancer-predisposing syndrome. Last evaluated: 2022-01-14. Review status: criteria provided, single submitter. Criteria: Sema4 Curation Guidelines. Collection method: curation. Allele origin: germline. Not counted in ClinVar's aggregate classification.
Comment: The BRCA1 c.594-2A>C variant has been reported in individuals or families with breast, ovarian, and pancreatic cancers (PMID: 25639900, 26681682, 28767289, 20104584). In many cases, it is reported in cis with the variant c.641A>G forming a complex allele c.[594-2A>C;641A>G] (PMID: 26884819, 27008870, 16211554, 16683254, 29254167). The variant has been reported as IVS9-2A>C and 713-2A>C in the literature. BRCA1 c.[594-2A>C;641A>G] and c.594-2A>C have been reported to co-occur with pathogenic BRCA1 variants in two individuals without symptoms of Fanconi anemia (PMID: 26884819, 25639900). BRCA1 c.594-2A>C was also reported to not segregate with disease in at least six families that also had BRCA2 pathogenic mutations (PMID: 25639900). BRCA1 c.[594-2A>C;641A>G] has been shown to preferentially express a BRCA1 transcript with deletion of exons 9 and 10, which is observed in wild-type breast and blood tissue naturally (PMID: 26884819, 27008870). This expression of the alternate transcript is said to rescue BRCA1 function; therefore, it is recommended that the complex allele be classified as benign (PMID: 27008870). Cell lines expressing only the c.594-2A>C variant did express this preferred BRCA1 isoform but also expressed other isoforms and no conclusion was drawn about pathogenicity (PMID: 27008870). It was observed in 9/112994 chromosomes of the Non-Finnish European subpopulation in the large and broad cohorts of the Genome Aggregation Database (PMID: 32461654). ClinVar contains entries for both c.594-2A>C (Variation ID 37686) and c.[594-2A>C;641A>G] (Variation ID 236265). The evidence is insufficient to meet ACMG/AMP criteria for classifying the variant as benign or pathogenic. Thus, the clinical significance of this variant is currently uncertain.

CHEO Genetics Diagnostic Laboratory, Children's Hospital of Eastern Ontario
Classification: Uncertain significance for Breast and/or ovarian cancer. Last evaluated: 2020-05-06. Review status: criteria provided, single submitter. Criteria: ACMG Guidelines, 2015. Collection method: clinical testing. Allele origin: germline. Study: Canadian Open Genetics Repository. Not counted in ClinVar's aggregate classification.

GeneDx
Classification: Likely benign. Last evaluated: 2018-01-02. Review status: criteria provided, single submitter. Criteria: GeneDx Variant Classification (06012015). Collection method: clinical testing. Allele origin: germline. Affected: yes. Not counted in ClinVar's aggregate classification.
Comment: This variant is considered likely benign or benign based on one or more of the following criteria: it is a conservative change, it occurs at a poorly conserved position in the protein, it is predicted to be benign by multiple in silico algorithms, and/or has population frequency not consistent with disease.

University of Washington Department of Laboratory Medicine, University of Washington
Classification: Likely benign for Hereditary breast ovarian cancer syndrome. Last evaluated: 2017-07-11. Review status: criteria provided, single submitter. Criteria: Shirts BH et al. (Genet Med 2016). Collection method: clinical testing. Allele origin: germline. Inheritance: Autosomal dominant inheritance. Affected: no. Not counted in ClinVar's aggregate classification.

Cancer Genetics and Genomics Laboratory, British Columbia Cancer Agency
Classification: Uncertain significance. Last evaluated: 2017-04-18. Review status: criteria provided, single submitter. Criteria: ACMG Guidelines, 2015. Collection method: clinical testing. Allele origin: germline. Study: The Canadian Open Genetics Repository (COGR). Not counted in ClinVar's aggregate classification.

Color Diagnostics, LLC DBA Color Health
Classification: Likely benign for Hereditary cancer-predisposing syndrome. Last evaluated: 2016-07-27. Review status: criteria provided, single submitter. Criteria: ACMG Guidelines, 2015. Collection method: clinical testing. Allele origin: germline. Not counted in ClinVar's aggregate classification.

CSER _CC_NCGL, University of Washington
Classification: Likely benign for Hereditary breast and ovarian cancer. Last evaluated: 2016-05-18. Review status: criteria provided, single submitter. Criteria: Amendola et al. (Genome Res. 2015). Collection method: research. Allele origin: germline. Inheritance: Autosomal dominant inheritance. Study: ESP 6500 variant annotation. Not counted in ClinVar's aggregate classification.
Comment: Variants classified for the Actionable exomic incidental findings in 6503 participants: challenges of variant classification manuscript

King Laboratory, University of Washington
Classification: Pathogenic for Hereditary breast and ovarian cancer syndrome; Breast-ovarian cancer, familial 1. Last evaluated: 2019-09-01. Review status: no assertion criteria provided. Collection method: research. Allele origin: germline. Affected: yes. Not counted in ClinVar's aggregate classification.
Comment: Transcript analysis by cBROCA

Pathway Genomics
Classification: Pathogenic for hereditary breast and ovarian cancer, BROVCA1. Last evaluated: 2014-07-24. Review status: no assertion criteria provided. Collection method: literature only. Allele origin: germline. Not counted in ClinVar's aggregate classification.

Research Molecular Genetics Laboratory, Women's College Hospital, University of Toronto
Classification: Uncertain significance. Last evaluated: 2014-01-31. Review status: no assertion criteria provided. Collection method: research. Allele origin: germline. Affected: yes. Study: The Canadian Open Genetics Repository (COGR). Not counted in ClinVar's aggregate classification.

Sharing Clinical Reports Project (SCRP)
No classification provided. Condition: Breast-ovarian cancer, familial 1. Last evaluated: 2010-03-15. Review status: no classification provided. Collection method: clinical testing. Allele origin: germline. Not counted in ClinVar's aggregate classification.

Breast Cancer Information Core (BIC) (BRCA1)
Classification: Pathogenic for Breast-ovarian cancer, familial 1. Last evaluated: 2002-05-29. Review status: no assertion criteria provided. Collection method: clinical testing. Allele origin: germline. Affected: yes. Observed: 16 variant alleles. Not counted in ClinVar's aggregate classification.